The following is an entry in ClinVar:

ClinVar aggregate classification (germline): Uncertain significance. Review status: criteria provided, multiple submitters, no conflicts (2 of 4 stars). 2 submissions from 2 submitters: Uncertain significance (2). Last evaluated 2024-10-05.

Conditions:
Juvenile polyposis syndrome (JPS). Identifiers: Orphanet 2929, MedGen C0345893, MONDO:0017380, OMIM 174900.
Hereditary cancer-predisposing syndrome. Also called: Hereditary neoplastic syndrome; Neoplastic Syndromes, Hereditary; Tumor predisposition; Hereditary Cancer Syndrome. Identifiers: Orphanet 140162, MedGen C0027672, MeSH D009386, MONDO:0015356.

Submissions (2):

Ambry Genetics
Classification: Uncertain significance for Hereditary cancer-predisposing syndrome. Last evaluated: 2024-10-05. Review status: criteria provided, single submitter. Criteria: Ambry Variant Classification Scheme 2023. Collection method: clinical testing. Allele origin: germline.
Comment: The p.I296F variant (also known as c.886A>T), located in coding exon 8 of the BMPR1A gene, results from an A to T substitution at nucleotide position 886. The isoleucine at codon 296 is replaced by phenylalanine, an amino acid with highly similar properties. This amino acid position is conserved. In addition, the in silico prediction for this alteration is inconclusive. Based on the available evidence, the clinical significance of this variant remains unclear.

All of Us Research Program, National Institutes of Health
Classification: Uncertain significance for Juvenile polyposis syndrome. Last evaluated: 2023-11-30. Review status: criteria provided, single submitter. Criteria: ACMG Guidelines, 2015. Collection method: clinical testing. Allele origin: germline. Inheritance: Autosomal dominant inheritance. Observed: 1 variant allele, 1 heterozygote.
Comment: This study involves interpretation of variants in research participants for the purpose of population health screening. Participant phenotype was not available at the time of variant classification. Additional details can be found in publication PMID: 35346344, PMCID: PMC8962531

NM_004329.3(BMPR1A):c.886A>T (p.Ile296Phe)

Gene: BMPR1A (bone morphogenetic protein receptor type 1A; plus strand). Cytogenetic location: 10q23.2.
Variant type: single nucleotide variant.
Coding change: c.886A>T on transcript NM_004329.3 (MANE Select); coding-DNA position 886, A replaced by T.
Protein change: p.Ile296Phe; replaces isoleucine 296 with phenylalanine.
Molecular consequence: missense variant. On other transcripts: non-coding transcript variant (3).
Genome position (GRCh38, 1-based): chr10:86,919,189, A>T. VCF-style: chr10-86919189-A-T. GRCh37 (hg19) VCF-style: chr10-88678946-A-T.
Other names: c.961A>T, p.Ile321Phe (NM_001406559.1); c.934A>T, p.Ile312Phe (NM_001406560.1); c.886A>T, p.Ile296Phe (NM_001406561.1, NM_001406562.1, NM_001406563.1 and 19 more transcripts); c.802A>T, p.Ile268Phe (NM_001406586.1, NM_001406587.1, NM_001406588.1 and 2 more transcripts); c.544A>T, p.Ile182Phe (NM_001406589.1); c.880A>T, p.Ile294Phe (NM_001406583.1); short protein forms I182F, I268F, I294F, I296F, I312F, I321F.
Identifiers: ClinVar variation 3073923 (VCV003073923.2), dbSNP rs1554891019, ClinGen allele CA377459837.
Genomic context (GRCh38, chr10:86,919,189, plus strand): 5'-ATCTCTGATGATAACTAACCTTTTAAACTCATCAACTGGACAGGTTTCATAGCGGCAGAC[A>T]TTAAAGGTACAGGTTCCTGGACTCAGCTCTATTTGATTACTGATTACCATGAAAATGGAT-3'
Protein context (NP_004320.2, residues 286-306): ENILGFIAAD[Ile296Phe]KGTGSWTQLY